The following is an entry in ClinVar:

ClinVar aggregate classification (germline): Conflicting classifications of pathogenicity. Review status: criteria provided, conflicting classifications (1 of 4 stars). 2 submissions from 2 submitters: Uncertain significance (1); Likely benign (1). Last evaluated 2023-10-13.

Submissions (2):

Labcorp Genetics (formerly Invitae), Labcorp
Classification: Likely benign. Last evaluated: 2023-10-13. Review status: criteria provided, single submitter. Criteria: Invitae Variant Classification Sherloc (09022015). Collection method: clinical testing. Allele origin: germline.

Greenwood Genetic Center Diagnostic Laboratories, Greenwood Genetic Center
Classification: Uncertain significance. Last evaluated: 2021-04-27. Review status: criteria provided, single submitter. Criteria: ACMG Guidelines, 2015. Collection method: clinical testing. Allele origin: germline. Affected: yes.
Comment: PP2, PP3, PM2

NM_006015.6(ARID1A):c.3426G>T (p.Gln1142His)

Genes: ARID1A (AT-rich interaction domain 1A; plus strand), LOC126805670 (CDK7 strongly-dependent group 2 enhancer GRCh37_chr1:27098665-27099864; plus strand). Cytogenetic location: 1p36.11.
Variant type: single nucleotide variant.
Coding change: c.3426G>T on transcript NM_006015.6 (MANE Select); coding-DNA position 3426, G replaced by T.
Protein change: p.Gln1142His; replaces glutamine 1142 with histidine.
Molecular consequence: missense variant.
Genome position (GRCh38, 1-based): chr1:26,772,519, G>T. VCF-style: chr1-26772519-G-T. GRCh37 (hg19) VCF-style: chr1-27099010-G-T.
Other names: c.3426G>T, p.Gln1142His (NM_139135.4); short protein forms Q1142H.
Identifiers: ClinVar variation 1334642 (VCV001334642.7), dbSNP rs2124103896, ClinGen allele CA339166076.